The following is an entry in ClinVar:

ClinVar aggregate classification (germline): Uncertain significance. Review status: criteria provided, multiple submitters, no conflicts (2 of 4 stars). 2 submissions from 2 submitters: Uncertain significance (2). Last evaluated 2026-05-14.

Conditions:
Hereditary cancer-predisposing syndrome. Also called: Neoplastic Syndromes, Hereditary; Tumor predisposition; Hereditary Cancer Syndrome; Hereditary neoplastic syndrome. Identifiers: Orphanet 140162, MedGen C0027672, MeSH D009386, MONDO:0015356.

Submissions (2):

Ambry Genetics
Classification: Uncertain significance for Hereditary cancer-predisposing syndrome. Last evaluated: 2026-05-14. Review status: criteria provided, single submitter. Criteria: Ambry Variant Classification Scheme 2023. Collection method: clinical testing. Allele origin: germline.
Comment: The p.E766K variant (also known as c.2296G>A), located in coding exon 13 of the ALK gene, results from a G to A substitution at nucleotide position 2296. The glutamic acid at codon 766 is replaced by lysine, an amino acid with similar properties. This amino acid position is conserved. In addition, this alteration is predicted to be tolerated by in silico analysis. Based on the available evidence, the clinical significance of this variant remains unclear.

GeneDx
Classification: Uncertain significance. Last evaluated: 2023-12-04. Review status: criteria provided, single submitter. Criteria: GeneDx Variant Classification Process June 2021. Collection method: clinical testing. Allele origin: germline. Affected: yes.
Comment: Not observed at significant frequency in large population cohorts (gnomAD); In silico analysis supports that this missense variant does not alter protein structure/function; Has not been previously published as pathogenic or benign to our knowledge

NM_004304.5(ALK):c.2296G>A (p.Glu766Lys)

Gene: ALK (ALK receptor tyrosine kinase; minus strand). Cytogenetic location: 2p23.2.
Variant type: single nucleotide variant.
Coding change: c.2296G>A on transcript NM_004304.5 (MANE Select); coding-DNA position 2296, G replaced by A.
Protein change: p.Glu766Lys; replaces glutamic acid 766 with lysine.
Molecular consequence: missense variant.
Genome position (GRCh38, 1-based): chr2:29,239,739, C>T on the plus strand (G>A on the coding strand, the complement: ALK is on the minus strand). VCF-style: chr2-29239739-C-T. GRCh37 (hg19) VCF-style: chr2-29462605-C-T.
Other names: short protein forms E766K.
Identifiers: ClinVar variation 3252131 (VCV003252131.2), dbSNP rs2148188740.